The following is an entry in ClinVar:

NM_030665.4(RAI1):c.2155C>T (p.Pro719Ser)

Gene: RAI1 (retinoic acid induced 1; plus strand). Cytogenetic location: 17p11.2.
Variant type: single nucleotide variant.
Coding change: c.2155C>T on transcript NM_030665.4 (MANE Select); coding-DNA position 2155, C replaced by T.
Protein change: p.Pro719Ser; replaces proline 719 with serine.
Molecular consequence: missense variant.
Genome position (GRCh38, 1-based): chr17:17,795,103, C>T. VCF-style: chr17-17795103-C-T. GRCh37 (hg19) VCF-style: chr17-17698417-C-T.
Other names: c.2155C>T (NM_030665.3); short protein forms P719S.
Identifiers: ClinVar variation 2985582 (VCV002985582.4), dbSNP rs747292260, ClinGen allele CA8418471.

ClinVar aggregate classification (germline): Conflicting classifications of pathogenicity. Review status: criteria provided, conflicting classifications (1 of 4 stars). 2 submissions from 2 submitters: Uncertain significance (1); Likely benign (1). Last evaluated 2025-08-04.

Conditions:
Inborn genetic diseases. Identifiers: MedGen C0950123, MeSH D030342.

Allele frequency attached by ClinVar (database versions not stated): TOPMed below 0.00001; gnomAD 0.00001; ExAC 0.00003.
gnomAD v4.1: 10 of 1,613,960 alleles (0.00062%); highest among the groups gnomAD compares: South Asian, 0.0099%; no homozygotes.

Submissions (2):

Ambry Genetics
Classification: Likely benign for Inborn genetic diseases. Last evaluated: 2025-08-04. Review status: criteria provided, single submitter. Criteria: Ambry Variant Classification Scheme 2023. Collection method: clinical testing. Allele origin: germline.

Labcorp Genetics (formerly Invitae), Labcorp
Classification: Uncertain significance. Last evaluated: 2023-03-20. Review status: criteria provided, single submitter. Criteria: Invitae Variant Classification Sherloc (09022015). Collection method: clinical testing. Allele origin: germline.
Comment: In summary, the available evidence is currently insufficient to determine the role of this variant in disease. Therefore, it has been classified as a Variant of Uncertain Significance. Advanced modeling of protein sequence and biophysical properties (such as structural, functional, and spatial information, amino acid conservation, physicochemical variation, residue mobility, and thermodynamic stability) performed at Invitae indicates that this missense variant is not expected to disrupt RAI1 protein function. This variant has not been reported in the literature in individuals affected with RAI1-related conditions. This variant is present in population databases (rs747292260, gnomAD 0.02%). This sequence change replaces proline, which is neutral and non-polar, with serine, which is neutral and polar, at codon 719 of the RAI1 protein (p.Pro719Ser).